The following is an entry in ClinVar:

NM_002617.4(PEX10):c.968G>C (p.Arg323Pro)

Gene: PEX10 (peroxisomal biogenesis factor 10; minus strand). Cytogenetic location: 1p36.32.
Variant type: single nucleotide variant.
Coding change: c.968G>C on transcript NM_002617.4 (MANE Select); coding-DNA position 968, G replaced by C.
Protein change: p.Arg323Pro; replaces arginine 323 with proline.
Molecular consequence: missense variant. On other transcripts: non-coding transcript variant (1).
Genome position (GRCh38, 1-based): chr1:2,405,779, C>G on the plus strand (G>C on the coding strand, the complement: PEX10 is on the minus strand). VCF-style: chr1-2405779-C-G. GRCh37 (hg19) VCF-style: chr1-2337218-C-G.
Other names: c.1025G>C, p.Arg342Pro (NM_001374425.1); c.593G>C, p.Arg198Pro (NM_001374426.1); c.536G>C, p.Arg179Pro (NM_001374427.1); c.1028G>C, p.Arg343Pro (NM_153818.2); short protein forms R179P, R343P, R323P, R198P, R342P.
Identifiers: ClinVar variation 2202598 (VCV002202598.2), dbSNP rs781194710, ClinGen allele CA337982801.

ClinVar aggregate classification (germline): Uncertain significance (1 of 4 stars; one submission).

Conditions:
Peroxisome biogenesis disorder, complementation group 7 (CG7). Also called: Peroxisome biogenesis disorder, complementation group B. Identifiers: MedGen C1864399.

Submission:

Labcorp Genetics (formerly Invitae), Labcorp
Classification: Uncertain significance for Peroxisome biogenesis disorder, complementation group 7. Last evaluated: 2023-12-11. Review status: criteria provided, single submitter. Criteria: Invitae Variant Classification Sherloc (09022015). Collection method: clinical testing. Allele origin: germline.
Comment: This sequence change replaces arginine, which is basic and polar, with proline, which is neutral and non-polar, at codon 343 of the PEX10 protein (p.Arg343Pro). This variant is present in population databases (no rsID available, gnomAD 0.006%). This variant has not been reported in the literature in individuals affected with PEX10-related conditions. ClinVar contains an entry for this variant (Variation ID: 2202598). An algorithm developed to predict the effect of missense changes on protein structure and function (PolyPhen-2) suggests that this variant is likely to be disruptive. In summary, the available evidence is currently insufficient to determine the role of this variant in disease. Therefore, it has been classified as a Variant of Uncertain Significance.